The following is an entry in ClinVar:

ClinVar aggregate classification (germline): Likely benign (0 of 4 stars; one submission).

Conditions:
FAN1-related disorder. Also called: FAN1-related condition.

gnomAD v4.1: 70 of 1,613,004 alleles (0.0043%); highest among the groups gnomAD compares: Non-Finnish European, 0.0057%; 1 homozygote.

Submission:

PreventionGenetics, part of Exact Sciences
Classification: Likely benign for FAN1-related condition. Last evaluated: 2024-06-26. Review status: no assertion criteria provided. Collection method: clinical testing. Allele origin: germline.
Comment: This variant is classified as likely benign based on ACMG/AMP sequence variant interpretation guidelines (Richards et al. 2015 PMID: 25741868, with internal and published modifications).

NM_014967.5(FAN1):c.2685G>A (p.Glu895=)

Genes: FAN1 (FANCD2 and FANCI associated nuclease 1; plus strand), MTMR10 (myotubularin related protein 10; minus strand). Cytogenetic location: 15q13.3.
Variant type: single nucleotide variant.
Coding change: c.2685G>A on transcript NM_014967.5 (MANE Select); coding-DNA position 2685, G replaced by A.
Protein change: p.Glu895=; no amino-acid change (glutamic acid 895 retained).
Molecular consequence: synonymous variant.
Genome position (GRCh38, 1-based): chr15:30,929,295, G>A. VCF-style: chr15-30929295-G-A. GRCh37 (hg19) VCF-style: chr15-31221498-G-A.
Identifiers: ClinVar variation 3353710 (VCV003353710.1).